The following is an entry in ClinVar:

ClinVar aggregate classification (germline): Pathogenic (1 of 4 stars; one submission).

Submission:

GeneDx
Classification: Pathogenic. Last evaluated: 2024-07-31. Review status: criteria provided, single submitter. Criteria: GeneDx Variant Classification Process June 2021. Collection method: clinical testing. Allele origin: germline. Affected: yes.
Comment: Frameshift variant predicted to result in protein truncation or nonsense mediated decay in a gene for which loss of function is a known mechanism of disease; Not observed at significant frequency in large population cohorts (gnomAD); Has not been previously published as pathogenic or benign to our knowledge

NM_001128.6(AP1G1):c.436dup (p.Leu146fs)

Gene: AP1G1 (adaptor related protein complex 1 subunit gamma 1; minus strand). Cytogenetic location: 16q22.2.
Variant type: Duplication.
Coding change: c.436dup on transcript NM_001128.6 (MANE Select); coding-DNA position 436, one base duplicated (C; older notation c.436dupC).
Protein change: p.Leu146fs; shifts the reading frame from leucine 146.
Molecular consequence: frameshift variant.
Genome position (GRCh38, 1-based): chr16:71,773,253, G duplicated on the plus strand (C on the coding strand, the reverse complement: AP1G1 is on the minus strand); the first of 2 consecutive G bases (chr16:71,773,253-71,773,254); duplicating either gives the same sequence. VCF-style (leftmost placement, unchanged base first): chr16-71773252-A-AG. GRCh37 (hg19) VCF-style: chr16-71807155-A-AG.
Other names: c.436dup, p.Leu146fs (NM_001030007.2); short protein forms L146fs.
Identifiers: ClinVar variation 3602434 (VCV003602434.1).